The following is an entry in ClinVar:

NM_004082.5(DCTN1):c.2480T>C (p.Leu827Pro)

Gene: DCTN1 (dynactin subunit 1; minus strand). Cytogenetic location: 2p13.1.
Variant type: single nucleotide variant.
Coding change: c.2480T>C on transcript NM_004082.5 (MANE Select); coding-DNA position 2480, T replaced by C.
Protein change: p.Leu827Pro; replaces leucine 827 with proline.
Molecular consequence: missense variant. On other transcripts: non-coding transcript variant (1).
Genome position (GRCh38, 1-based): chr2:74,366,607, A>G on the plus strand (T>C on the coding strand, the complement: DCTN1 is on the minus strand). VCF-style: chr2-74366607-A-G. GRCh37 (hg19) VCF-style: chr2-74593734-A-G.
Other names: c.2420T>C, p.Leu807Pro (NM_001135040.3); c.2078T>C, p.Leu693Pro (NM_001135041.3, NM_023019.4); c.2369T>C, p.Leu790Pro (NM_001190836.2); c.2459T>C, p.Leu820Pro (NM_001190837.2); c.2429T>C, p.Leu810Pro (NM_001378991.1); c.2411T>C, p.Leu804Pro (NM_001378992.1); short protein forms L827P, L693P, L790P, L820P, L807P, L804P, L810P.
Identifiers: ClinVar variation 536145 (VCV000536145.9), dbSNP rs1470946965, ClinGen allele CA347346860.

ClinVar aggregate classification (germline): Uncertain significance (1 of 4 stars; one submission).

Conditions:
Amyotrophic lateral sclerosis type 1 (ALS1). Also called: AMYOTROPHIC LATERAL SCLEROSIS 1, FAMILIAL. Identifiers: Orphanet 803, MedGen C1862939, MONDO:0007103, OMIM 105400.
Neuronopathy, distal hereditary motor, type 7B. Also called: HMN VIIB; LOWER MOTOR NEURON DISEASE, DYNACTIN TYPE; Distal Hereditary Motor Neuronopathy Type 7B (dHMN7B); NEURONOPATHY, DISTAL HEREDITARY MOTOR, AUTOSOMAL DOMINANT 14; NEURONOPATHY, DISTAL HEREDITARY MOTOR, HARDING TYPE VIIB; NEUROPATHY, DISTAL HEREDITARY MOTOR, HARDING TYPE VIIB. Identifiers: Orphanet 139589, MedGen C1843315, MONDO:0011879, OMIM 607641.
Perry syndrome. Also called: PARKINSONISM WITH ALVEOLAR HYPOVENTILATION AND MENTAL DEPRESSION. Identifiers: Orphanet 178509, MedGen C1868594, MONDO:0008201, OMIM 168605.

Submission:

Labcorp Genetics (formerly Invitae), Labcorp
Classification: Uncertain significance for Amyotrophic lateral sclerosis type 1; Neuronopathy, distal hereditary motor, type 7B; Perry syndrome. Last evaluated: 2017-08-03. Review status: criteria provided, single submitter. Criteria: Invitae Variant Classification Sherloc (09022015). Collection method: clinical testing. Allele origin: germline.
Comment: In summary, the available evidence is currently insufficient to determine the role of this variant in disease. Therefore, it has been classified as a Variant of Uncertain Significance. Algorithms developed to predict the effect of missense changes on protein structure and function (SIFT, PolyPhen-2, Align-GVGD) all suggest that this variant is likely to be disruptive, but these predictions have not been confirmed by published functional studies and their clinical significance is uncertain. This variant has not been reported in the literature in individuals with DCTN1-related disease. This variant is not present in population databases (ExAC no frequency). This sequence change replaces leucine with proline at codon 827 of the DCTN1 protein (p.Leu827Pro). The leucine residue is highly conserved and there is a moderate physicochemical difference between leucine and proline.